The following is an entry in ClinVar:

NM_001080.3(ALDH5A1):c.685C>T (p.Pro229Ser)

Gene: ALDH5A1 (aldehyde dehydrogenase 5 family member A1; plus strand). Cytogenetic location: 6p22.3.
Variant type: single nucleotide variant.
Coding change: c.685C>T on transcript NM_001080.3 (MANE Select); coding-DNA position 685, C replaced by T.
Protein change: p.Pro229Ser; replaces proline 229 with serine.
Molecular consequence: missense variant.
Genome position (GRCh38, 1-based): chr6:24,504,944, C>T. VCF-style: chr6-24504944-C-T. GRCh37 (hg19) VCF-style: chr6-24505172-C-T.
Other names: c.685C>T, p.Pro229Ser (NM_001368954.1, NM_170740.1); short protein forms P229S.
Identifiers: ClinVar variation 1878463 (VCV001878463.5), dbSNP rs1759309075, ClinGen allele CA362970130.
Genomic context (GRCh38, chr6:24,504,944, plus strand): 5'-GCCATGATCACCCGGAAGGTGGGGGCCGCCCTGGCAGCCGGCTGTACTGTCGTGGTGAAG[C>T]CTGCCGAAGACACGCCCTTCTCCGCCCTGGCCCTGGCTGAGGTGAGCCGCTCTCCCTGTG-3'
Protein context (NP_001071.1, residues 219-239): LAAGCTVVVK[Pro229Ser]AEDTPFSALA

ClinVar aggregate classification (germline): Likely pathogenic. Review status: criteria provided, multiple submitters, no conflicts (2 of 4 stars). 2 submissions from 2 submitters: Likely pathogenic (2). Last evaluated 2025-06-17.

Conditions:
Succinate-semialdehyde dehydrogenase deficiency (SSADHD). Also called: Succinic Semialdehyde Dehydrogenase Deficiency; SSADH DEFICIENCY; 4-HYDROXYBUTYRIC ACIDURIA; GABA METABOLIC DEFECT. Identifiers: Orphanet 22, MedGen C0268631, MONDO:0010083, OMIM 271980.

Allele frequency attached by ClinVar (database versions not stated): gnomAD exomes below 0.00001.
gnomAD v4.1: 1 of 1,614,234 alleles (0.000062%); highest among the groups gnomAD compares: Non-Finnish European, 0.000085%; no homozygotes.

Submissions (2):

Victorian Clinical Genetics Services, Murdoch Childrens Research Institute
Classification: Likely pathogenic for Succinate-semialdehyde dehydrogenase deficiency. Last evaluated: 2025-06-17. Review status: criteria provided, single submitter. Criteria: ACMG Guidelines, 2015. Collection method: clinical testing. Allele origin: germline. Affected: no.
Comment: This variant is classified as Likely pathogenic. Evidence in support of pathogenic classification: Variant is present in gnomAD <0.01 for a recessive condition (v4: 1 heterozygote(s), 0 homozygote(s)); This variant has limited previous evidence of pathogenicity in an unrelated individual(s). This variant has been reported in an individual with suspected deficiency of succinate semialdehyde dehydrogenase (SSADH; PMID: 32402538); This variant has moderate functional evidence supporting abnormal protein function. An in vitro residual enzyme activity assay performed on this variant indicates SSADH activity is deficient compared to the wildtype (PMID: 32402538); Missense variant predicted to be damaging by in silico tool(s) or highly conserved with a major amino acid change. Additional information: Variant is predicted to result in a missense amino acid change from proline to serine; This variant is heterozygous; This gene is associated with autosomal recessive disease; Alternative amino acid change(s) at the same position are present in gnomAD (Highest allele count: v4: 1 heterozygote(s), 0 homozygote(s)); No published segregation evidence has been identified for this variant; Another missense variant(s) comparable to the one identified in this case has inconclusive previous evidence for pathogenicity. p.(Pro229Thr) has been classified once as a VUS by a clinical laboratory (ClinVar); Variant is located in the annotated aldehyde dehydrogenase family domain (DECIPHER); Loss of function is a known mechanism of disease in this gene and is associated with succinic semialdehyde dehydrogenase deficiency (MIM#271980); Variants in this gene are known to have variable expressivity (OMIM).

Elsea Laboratory, Baylor College of Medicine
Classification: Likely pathogenic for Succinate-semialdehyde dehydrogenase deficiency. Last evaluated: 2021-03-08. Review status: criteria provided, single submitter. Criteria: Martin et al. (J Child Neurol. 2021). Collection method: curation. Allele origin: germline. Affected: yes.
Comment: NAD binding domain

Literature cited by the submitters: PubMed 32402538 (cited by Victorian Clinical Genetics Services, Murdoch Childrens Research Institute); PubMed 33203024 (cited by Elsea Laboratory, Baylor College of Medicine).